The following is an entry in ClinVar:

ClinVar aggregate classification (germline): Conflicting classifications of pathogenicity. Review status: criteria provided, conflicting classifications (1 of 4 stars). 3 submissions from 3 submitters: Pathogenic (1); Likely pathogenic (1); Uncertain significance (1). Last evaluated 2025-05-23.

Conditions:
Deficiency of 2-methylbutyryl-CoA dehydrogenase (ACADSB). Also called: 2-methylbutyryl-CoA dehydrogenase deficiency; SBCAD deficiency; 2-methylbutyric aciduria; Short branched-chain acyl-CoA dehydrogenase deficiency; 2-methylbutyrylglycinuria. Identifiers: Orphanet 79157, MedGen C1864912, MONDO:0012392, OMIM 610006, HP:0020147.

Allele frequency attached by ClinVar (database versions not stated): TOPMed 0.00005; gnomAD 0.00007 and 0.00008.

Submissions (3):

Women's Health and Genetics/Laboratory Corporation of America, LabCorp
Classification: Pathogenic for Deficiency of 2-methylbutyryl-CoA dehydrogenase. Last evaluated: 2025-05-23. Review status: criteria provided, single submitter. Criteria: LabCorp Variant Classification Summary - May 2015. Collection method: clinical testing. Allele origin: germline.
Comment: Variant summary: ACADSB c.1213C>T (p.Arg405X) results in a premature termination codon, predicted to cause a truncation of the encoded protein or absence of the protein due to nonsense mediated decay, which are commonly known mechanisms for disease. However, this variant is not expected to result in nonsense-mediated mRNA decay. The variant allele was found at a frequency of 7.6e-05 in 251180 control chromosomes. This frequency is not significantly higher than estimated for a pathogenic variant in ACADSB causing Deficiency of 2-methylbutyryl-CoA Dehydrogenase (7.6e-05 vs 0.0011), allowing no conclusion about variant significance. To our knowledge, no occurrence of c.1213C>T in individuals affected with Deficiency of 2-methylbutyryl-CoA Dehydrogenase and no experimental evidence demonstrating its impact on protein function have been reported. Nevertheless, a downstream missense variant, c.1228G>A (p.Gly410Ser) has been observed in homozygous individuals affected with Deficiency of 2-methylbutyryl-CoA Dehydrogenase (PMID: 11013134) and has been classified as pathogenic. ClinVar contains an entry for this variant (Variation ID: 632128). Based on the evidence outlined above, the variant was classified as pathogenic.

GeneDx
Classification: Likely pathogenic. Last evaluated: 2023-04-27. Review status: criteria provided, single submitter. Criteria: GeneDx Variant Classification Process June 2021. Collection method: clinical testing. Allele origin: germline. Affected: yes.
Comment: Not observed at significant frequency in large population cohorts (gnomAD); Nonsense variant predicted to result in protein truncation as the last 28 amino acids are lost, although loss-of-function variants have not been reported downstream of this position in the protein; Has not been previously published as pathogenic or benign to our knowledge

Labcorp Genetics (formerly Invitae), Labcorp
Classification: Uncertain significance for Deficiency of 2-methylbutyryl-CoA dehydrogenase. Last evaluated: 2022-07-18. Review status: criteria provided, single submitter. Criteria: Invitae Variant Classification Sherloc (09022015). Collection method: clinical testing. Allele origin: germline.
Comment: In summary, the available evidence is currently insufficient to determine the role of this variant in disease. Therefore, it has been classified as a Variant of Uncertain Significance. Algorithms developed to predict the effect of sequence changes on RNA splicing suggest that this variant may disrupt the consensus splice site. Experimental studies and prediction algorithms are not available or were not evaluated, and the functional significance of this variant is currently unknown. ClinVar contains an entry for this variant (Variation ID: 632128). This variant has not been reported in the literature in individuals affected with ACADSB-related conditions. This variant is present in population databases (rs200154326, gnomAD 0.01%). This sequence change creates a premature translational stop signal (p.Arg405*) in the ACADSB gene. While this is not anticipated to result in nonsense mediated decay, it is expected to disrupt the last 28 amino acid(s) of the ACADSB protein.

NM_001609.4(ACADSB):c.1213C>T (p.Arg405Ter)

Gene: ACADSB (acyl-CoA dehydrogenase short/branched chain; plus strand). Cytogenetic location: 10q26.13.
Variant type: single nucleotide variant.
Coding change: c.1213C>T on transcript NM_001609.4 (MANE Select); coding-DNA position 1213, C replaced by T.
Protein change: p.Arg405Ter; replaces arginine 405 with a stop codon.
Molecular consequence: nonsense.
Genome position (GRCh38, 1-based): chr10:123,053,145, C>T. VCF-style: chr10-123053145-C-T. GRCh37 (hg19) VCF-style: chr10-124812661-C-T.
Other names: c.907C>T, p.Arg303Ter (NM_001330174.3); short protein forms R405*, R303*.
Identifiers: ClinVar variation 632128 (VCV000632128.15), dbSNP rs200154326, ClinGen allele CA5730958.